The following is an entry in ClinVar:

NM_001127222.2(CACNA1A):c.3261C>T (p.His1087=)

Gene: CACNA1A (calcium voltage-gated channel subunit alpha1 A; minus strand). Cytogenetic location: 19p13.13.
Variant type: single nucleotide variant.
Coding change: c.3261C>T on transcript NM_001127222.2 (MANE Select); coding-DNA position 3261, C replaced by T.
Protein change: p.His1087=; no amino-acid change (histidine 1087 retained).
Molecular consequence: synonymous variant.
Genome position (GRCh38, 1-based): chr19:13,286,795, G>A on the plus strand (C>T on the coding strand, the complement: CACNA1A is on the minus strand). VCF-style: chr19-13286795-G-A. GRCh37 (hg19) VCF-style: chr19-13397609-G-A.
Other names: c.3273C>T, p.His1091= (NM_000068.4, NM_023035.3); c.3264C>T, p.His1088= (NM_001127221.2, NM_001174080.2).
Identifiers: ClinVar variation 382928 (VCV000382928.4), dbSNP rs776799566, ClinGen allele CA9240374.

ClinVar aggregate classification (germline): Likely benign. Review status: criteria provided, multiple submitters, no conflicts (2 of 4 stars). 2 submissions from 2 submitters: Likely benign (2). Last evaluated 2023-10-13.

Conditions:
Episodic ataxia type 2 (EA2). Also called: ATAXIA, EPISODIC, WITH NYSTAGMUS; ATAXIA, FAMILIAL PAROXYSMAL; CEREBELLAR ATAXIA, PAROXYSMAL, ACETAZOLAMIDE-RESPONSIVE; CEREBELLOPATHY, HEREDITARY PAROXYSMAL; EPISODIC ATAXIA, NYSTAGMUS-ASSOCIATED; ACETAZOLAMIDE-RESPONSIVE HEREDITARY PAROXYSMAL CEREBELLAR ATAXIA. Identifiers: Orphanet 97, MedGen C1720416, MONDO:0007163, OMIM 108500.
Developmental and epileptic encephalopathy, 42 (DEE42A). Also called: Epileptic encephalopathy, early infantile, 42; DEVELOPMENTAL AND EPILEPTIC ENCEPHALOPATHY 42A; EPILEPTIC ENCEPHALOPATHY, EARLY INFANTILE, 42A. Identifiers: MedGen C4310716, MONDO:0014917, OMIM 617106.

Allele frequency attached by ClinVar (database versions not stated): gnomAD 0.00001; gnomAD exomes 0.00001; TOPMed 0.00001; ExAC 0.00003.
gnomAD v4.1: 13 of 1,612,968 alleles (0.00081%); highest among the groups gnomAD compares: Middle Eastern, 0.016%; no homozygotes.

Submissions (2):

Labcorp Genetics (formerly Invitae), Labcorp
Classification: Likely benign for Developmental and epileptic encephalopathy, 42; Episodic ataxia type 2. Last evaluated: 2023-10-13. Review status: criteria provided, single submitter. Criteria: Invitae Variant Classification Sherloc (09022015). Collection method: clinical testing. Allele origin: germline.

GeneDx
Classification: Likely benign. Last evaluated: 2016-01-20. Review status: criteria provided, single submitter. Criteria: GeneDx Variant Classification (06012015). Collection method: clinical testing. Allele origin: germline. Affected: yes.
Comment: This variant is considered likely benign or benign based on one or more of the following criteria: it is a conservative change, it occurs at a poorly conserved position in the protein, it is predicted to be benign by multiple in silico algorithms, and/or has population frequency not consistent with disease.